The following is an entry in ClinVar:

NM_020778.5(ALPK3):c.4723+4C>A

Gene: ALPK3 (alpha kinase 3; plus strand). Cytogenetic location: 15q25.3.
Variant type: single nucleotide variant.
Coding change: c.4723+4C>A on transcript NM_020778.5 (MANE Select); 4 bases into the intron after coding-DNA position 4723, C replaced by A.
Molecular consequence: intron variant.
Genome position (GRCh38, 1-based): chr15:84,864,669, C>A. VCF-style: chr15-84864669-C-A. GRCh37 (hg19) VCF-style: chr15-85407900-C-A.
Identifiers: ClinVar variation 4707156 (VCV004707156.1).

ClinVar aggregate classification (germline): Uncertain significance (1 of 4 stars; one submission).

gnomAD v4.1: 5 of 1,613,378 alleles (0.00031%); highest among the groups gnomAD compares: Non-Finnish European, 0.00042%; no homozygotes.

Submission:

Labcorp Genetics (formerly Invitae), Labcorp
Classification: Uncertain significance. Last evaluated: 2025-12-12. Review status: criteria provided, single submitter. Criteria: Invitae Variant Classification Sherloc (09022015). Collection method: clinical testing. Allele origin: germline.
Comment: This sequence change falls in intron 12 of the ALPK3 gene. It does not directly change the encoded amino acid sequence of the ALPK3 protein. It affects a nucleotide within the consensus splice site. The frequency data for this variant in the population databases is considered unreliable, as metrics indicate poor data quality at this position in the gnomAD database. This variant has not been reported in the literature in individuals affected with ALPK3-related conditions. Variants that disrupt the consensus splice site are a relatively common cause of aberrant splicing (PMID: 17576681, 9536098). Algorithms developed to predict the effect of sequence changes on RNA splicing suggest that this variant is not likely to affect RNA splicing. In summary, the available evidence is currently insufficient to determine the role of this variant in disease. Therefore, it has been classified as a Variant of Uncertain Significance.

Literature cited by the submitters: PubMed 17576681; PubMed 9536098.